The following is an entry in ClinVar:

NM_000540.3(RYR1):c.7061T>C (p.Val2354Ala)

Gene: RYR1 (ryanodine receptor 1; plus strand). Cytogenetic location: 19q13.2.
Variant type: single nucleotide variant.
Coding change: c.7061T>C on transcript NM_000540.3 (MANE Select); coding-DNA position 7061, T replaced by C.
Protein change: p.Val2354Ala; replaces valine 2354 with alanine.
Molecular consequence: missense variant.
Genome position (GRCh38, 1-based): chr19:38,499,668, T>C. VCF-style: chr19-38499668-T-C. GRCh37 (hg19) VCF-style: chr19-38990308-T-C.
Other names: c.7061T>C, p.Val2354Ala (NM_001042723.2); short protein forms V2354A.
Identifiers: ClinVar variation 4802123 (VCV004802123.1).

ClinVar aggregate classification (germline): Uncertain significance (1 of 4 stars; one submission).

Conditions:
RYR1-related disorder. Also called: RYR1-related condition; RYR1-related disorders. Identifiers: MedGen CN239331.

Submission:

Labcorp Genetics (formerly Invitae), Labcorp
Classification: Uncertain significance for RYR1-related disorder. Last evaluated: 2025-10-06. Review status: criteria provided, single submitter. Criteria: Invitae Variant Classification Sherloc (09022015). Collection method: clinical testing. Allele origin: germline.
Comment: This sequence change replaces valine, which is neutral and non-polar, with alanine, which is neutral and non-polar, at codon 2354 of the RYR1 protein (p.Val2354Ala). This variant is not present in population databases (gnomAD no frequency). This variant has not been reported in the literature in individuals affected with RYR1-related conditions. Invitae Evidence Modeling of protein sequence and biophysical properties (such as structural, functional, and spatial information, amino acid conservation, physicochemical variation, residue mobility, and thermodynamic stability) indicates that this missense variant is not expected to disrupt RYR1 protein function with a negative predictive value of 80%. This variant disrupts the p.Val2354 amino acid residue in RYR1. Other variant(s) that disrupt this residue have been determined to be pathogenic (PMID: 23558838, 24361844). This suggests that this residue is clinically significant, and that variants that disrupt this residue are likely to be disease-causing. In summary, the available evidence is currently insufficient to determine the role of this variant in disease. Therefore, it has been classified as a Variant of Uncertain Significance.

Literature cited by the submitters: PubMed 23558838; PubMed 24361844.